The following is an entry in ClinVar:

NM_001105244.2(PTPRM):c.1754-6C>T

Gene: PTPRM (protein tyrosine phosphatase receptor type M; plus strand). Cytogenetic location: 18p11.23.
Variant type: single nucleotide variant.
Coding change: c.1754-6C>T on transcript NM_001105244.2 (MANE Select); 6 bases into the intron before coding-DNA position 1754, C replaced by T.
Molecular consequence: intron variant.
Genome position (GRCh38, 1-based): chr18:8,088,743, C>T. VCF-style: chr18-8088743-C-T. GRCh37 (hg19) VCF-style: chr18-8088741-C-T.
Other names: c.1754-6C>T (NM_002845.4); c.1115-6C>T (NM_001378147.1, NM_001378145.1, NM_001378144.1 and 3 more transcripts).
Identifiers: ClinVar variation 3053323 (VCV003053323.2), dbSNP rs143759203, ClinGen allele CA8884191.
Genomic context (GRCh38, chr18:8,088,743, plus strand): 5'-GTGGAAACTAAACTGAGAAGATAAACCAGAAATAATGAGTCTCCCATTCTACGCCTTTTT[C>T]CCCAGCACCCTCTATGCCAGCTTATGAACTTGAGACACCTTTGAATCAAACTGACAATAC-3'

ClinVar aggregate classification (germline): Likely benign (0 of 4 stars; one submission).

Conditions:
PTPRM-related disorder. Also called: PTPRM-related condition.

Allele frequency attached by ClinVar (database versions not stated): ExAC 0.00047; gnomAD 0.00062; gnomAD exomes 0.00067.
gnomAD v4.1: 1,081 of 1,602,372 alleles (0.067%); highest among the groups gnomAD compares: Admixed American, 0.09%; no homozygotes.

Submission:

PreventionGenetics, part of Exact Sciences
Classification: Likely benign for PTPRM-related condition. Last evaluated: 2019-10-28. Review status: no assertion criteria provided. Collection method: clinical testing. Allele origin: germline.
Comment: This variant is classified as likely benign based on ACMG/AMP sequence variant interpretation guidelines (Richards et al. 2015 PMID: 25741868, with internal and published modifications).